The following is an entry in ClinVar:

ClinVar aggregate classification (germline): Likely pathogenic. Review status: criteria provided, multiple submitters, no conflicts (2 of 4 stars). 2 submissions from 2 submitters: Likely pathogenic (2). Last evaluated 2026-06-29.

Conditions:
Salla disease (SD). Also called: Sialuria, Finnish type; N-acetylneuraminic acid (NANA) storage disease (NSD); Infantile sialic acid storage disorder (ISSD); Less Severe FSASD (Salla Disease). Identifiers: Orphanet 309334, Orphanet 834, MedGen C1096903, MONDO:0011449, OMIM 604369.
Sialic acid storage disease, severe infantile type (ISSD). Also called: INFANTILE SIALIC ACID STORAGE DISORDER; N-ACETYLNEURAMINIC ACID STORAGE DISEASE; NANA STORAGE DISEASE; SIALURIA, INFANTILE FORM; Infantile Sialic Acid Storage Disease; Free sialic acid storage disease, infantile form. Identifiers: Orphanet 309324, Orphanet 834, MedGen C1096902, MONDO:0010027, OMIM 269920.

gnomAD v4.1: 1 of 1,612,576 alleles (0.000062%); highest among the groups gnomAD compares: South Asian, 0.0011%; no homozygotes.

Submissions (2):

Myriad Genetics, Inc.
Classification: Likely pathogenic for Sialic acid storage disease, severe infantile type. Last evaluated: 2026-06-29. Review status: criteria provided, single submitter. Criteria: Myriad Autosomal Dominant, Autosomal Recessive and X-Linked Classification Criteria (2023). Collection method: clinical testing. Allele origin: unknown.
Comment: NM_012434.4(SLC17A5):c.95-1G>T is a variant in a canonical splice site classified as likely pathogenic in the context of free sialic acid storage disorders. c.95-1G>T has not been observed in cases with relevant disease. Relevant functional assessments of this variant are not available in the literature. c.95-1G>T has not been observed in referenced population frequency databases. In summary, NM_012434.4(SLC17A5):c.95-1G>T is a variant in a canonical splice site in a gene where loss of function is a known mechanism of disease and is predicted to disrupt protein function. Please note: this variant was assessed in the context of healthy population screening.

Baylor Genetics
Classification: Likely pathogenic for Salla disease. Last evaluated: 2024-03-15. Review status: criteria provided, single submitter. Criteria: ACMG Guidelines, 2015. Collection method: clinical testing. Allele origin: unknown.

NM_012434.5(SLC17A5):c.95-1G>T

Gene: SLC17A5 (solute carrier family 17 member 5; minus strand). Cytogenetic location: 6q13.
Variant type: single nucleotide variant.
Coding change: c.95-1G>T on transcript NM_012434.5 (MANE Select); the canonical splice acceptor site of the intron before coding-DNA position 95, G replaced by T.
Molecular consequence: splice acceptor variant. On other transcripts: intron variant (2).
Genome position (GRCh38, 1-based): chr6:73,644,604, C>A on the plus strand (G>T on the coding strand, the complement: SLC17A5 is on the minus strand). VCF-style: chr6-73644604-C-A. GRCh37 (hg19) VCF-style: chr6-74354327-C-A.
Other names: c.61-2680G>T (NM_001382636.1, NM_001382629.1); c.95-1G>T (NM_001382632.1, NM_001382635.1, NM_001382634.1 and 2 more transcripts); c.116-1G>T (NM_001382631.1).
Identifiers: ClinVar variation 3240472 (VCV003240472.2), dbSNP rs386833995.